The following is an entry in ClinVar:

NM_020297.4(ABCC9):c.1619-9_1619-6del

Gene: ABCC9 (ATP binding cassette subfamily C member 9; minus strand). Cytogenetic location: 12p12.1.
Variant type: Microsatellite.
Coding change: c.1619-9_1619-6del on transcript NM_020297.4 (MANE Select); 9 bases into the intron before coding-DNA position 1619 through 6 bases into the intron before coding-DNA position 1619, 4 bases deleted (TTTC; older notation c.1619-9_1619-6delTTTC).
Molecular consequence: intron variant.
Genome position (GRCh38, 1-based): chr12:21,895,321-21,895,324, GAAA deleted on the plus strand (TTTC on the coding strand, the reverse complement: ABCC9 is on the minus strand); deleting any 4 consecutive bases within chr12:21,895,321-21,895,328 gives the same sequence; the c. name uses the placement nearest the transcript's 3' end. VCF-style (leftmost placement, unchanged base first): chr12-21895320-GGAAA-G. GRCh37 (hg19) VCF-style: chr12-22048254-GGAAA-G.
Other names: c.755-9_755-6del (NM_001377274.1); c.1619-9_1619-6del (NM_005691.4, NM_001377273.1).
Identifiers: ClinVar variation 2817662 (VCV002817662.3), dbSNP rs2541521417, ClinGen allele CA2739271898.

ClinVar aggregate classification (germline): Uncertain significance (1 of 4 stars; one submission).

Conditions:
Dilated cardiomyopathy 1O (CMD1O). Also called: CARDIOMYOPATHY, DILATED, WITH VENTRICULAR TACHYCARDIA. Identifiers: Orphanet 154, MedGen C1837839, MONDO:0012062, OMIM 608569.

Submission:

Labcorp Genetics (formerly Invitae), Labcorp
Classification: Uncertain significance for Dilated cardiomyopathy 1O. Last evaluated: 2022-11-30. Review status: criteria provided, single submitter. Criteria: Invitae Variant Classification Sherloc (09022015). Collection method: clinical testing. Allele origin: germline.
Comment: In summary, the available evidence is currently insufficient to determine the role of this variant in disease. Therefore, it has been classified as a Variant of Uncertain Significance. Algorithms developed to predict the effect of sequence changes on RNA splicing suggest that this variant may disrupt the consensus splice site. This variant has not been reported in the literature in individuals affected with ABCC9-related conditions. This variant is not present in population databases (gnomAD no frequency). This sequence change falls in intron 10 of the ABCC9 gene. It does not directly change the encoded amino acid sequence of the ABCC9 protein.